The following is an entry in ClinVar:

ClinVar aggregate classification (germline): Uncertain significance (1 of 4 stars; one submission).

Submission:

Labcorp Genetics (formerly Invitae), Labcorp
Classification: Uncertain significance. Last evaluated: 2025-02-23. Review status: criteria provided, single submitter. Criteria: Invitae Variant Classification Sherloc (09022015). Collection method: clinical testing. Allele origin: germline.
Comment: This sequence change replaces arginine, which is basic and polar, with cysteine, which is neutral and slightly polar, at codon 826 of the MICAL1 protein (p.Arg826Cys). This variant is present in population databases (rs751592574, gnomAD 0.01%). This variant has not been reported in the literature in individuals affected with MICAL1-related conditions. An algorithm developed to predict the effect of missense changes on protein structure and function (PolyPhen-2) suggests that this variant is likely to be disruptive. In summary, the available evidence is currently insufficient to determine the role of this variant in disease. Therefore, it has been classified as a Variant of Uncertain Significance.

NM_022765.4(MICAL1):c.2419C>T (p.Arg807Cys)

Gene: MICAL1 (microtubule associated monooxygenase, calponin and LIM domain containing 1; minus strand). Cytogenetic location: 6q21.
Variant type: single nucleotide variant.
Coding change: c.2419C>T on transcript NM_022765.4 (MANE Select); coding-DNA position 2419, C replaced by T.
Protein change: p.Arg807Cys; replaces arginine 807 with cysteine.
Molecular consequence: missense variant.
Genome position (GRCh38, 1-based): chr6:109,446,298, G>A on the plus strand (C>T on the coding strand, the complement: MICAL1 is on the minus strand). VCF-style: chr6-109446298-G-A. GRCh37 (hg19) VCF-style: chr6-109767501-G-A.
Other names: c.2161C>T, p.Arg721Cys (NM_001159291.2); c.2476C>T, p.Arg826Cys (NM_001286613.2); short protein forms R807C, R826C, R721C.
Identifiers: ClinVar variation 4750702 (VCV004750702.1).